The following is an entry in ClinVar:

NM_015978.3(TNNI3K):c.571G>T (p.Ala191Ser)

Genes: FPGT-TNNI3K (FPGT-TNNI3K readthrough; plus strand), TNNI3K (TNNI3 interacting kinase; plus strand). Cytogenetic location: 1p31.1.
Variant type: single nucleotide variant.
Coding change: c.571G>T on transcript NM_015978.3 (MANE Select); coding-DNA position 571, G replaced by T.
Protein change: p.Ala191Ser; replaces alanine 191 with serine.
Molecular consequence: missense variant.
Genome position (GRCh38, 1-based): chr1:74,336,038, G>T. VCF-style: chr1-74336038-G-T. GRCh37 (hg19) VCF-style: chr1-74801722-G-T.
Other names: c.874G>T, p.Ala292Ser (NM_001112808.3, NM_001199327.2); short protein forms A292S, A191S.
Identifiers: ClinVar variation 3650796 (VCV003650796.2).

ClinVar aggregate classification (germline): Uncertain significance (1 of 4 stars; one submission).

Submission:

Labcorp Genetics (formerly Invitae), Labcorp
Classification: Uncertain significance. Last evaluated: 2024-08-20. Review status: criteria provided, single submitter. Criteria: Invitae Variant Classification Sherloc (09022015). Collection method: clinical testing. Allele origin: germline.
Comment: This sequence change replaces alanine, which is neutral and non-polar, with serine, which is neutral and polar, at codon 191 of the TNNI3K protein (p.Ala191Ser). This variant is not present in population databases (gnomAD no frequency). This variant has not been reported in the literature in individuals affected with TNNI3K-related conditions. Invitae Evidence Modeling of protein sequence and biophysical properties (such as structural, functional, and spatial information, amino acid conservation, physicochemical variation, residue mobility, and thermodynamic stability) indicates that this missense variant is not expected to disrupt TNNI3K protein function with a negative predictive value of 80%. In summary, the available evidence is currently insufficient to determine the role of this variant in disease. Therefore, it has been classified as a Variant of Uncertain Significance.